The following is an entry in ClinVar:

ClinVar aggregate classification (germline): Uncertain significance (1 of 4 stars; one submission).

Conditions:
Hereditary cancer-predisposing syndrome. Also called: Neoplastic Syndromes, Hereditary; Tumor predisposition; Hereditary neoplastic syndrome; Hereditary Cancer Syndrome. Identifiers: Orphanet 140162, MedGen C0027672, MeSH D009386, MONDO:0015356.

Submission:

Ambry Genetics
Classification: Uncertain significance for Hereditary cancer-predisposing syndrome. Last evaluated: 2024-05-31. Review status: criteria provided, single submitter. Criteria: Ambry Variant Classification Scheme 2023. Collection method: clinical testing. Allele origin: germline.
Comment: The p.I97L variant (also known as c.289A>C), located in coding exon 4 of the SDHB gene, results from an A to C substitution at nucleotide position 289. The isoleucine at codon 97 is replaced by leucine, an amino acid with highly similar properties. This amino acid position is highly conserved in available vertebrate species. In addition, this alteration is predicted to be deleterious by in silico analysis. Based on the available evidence, the clinical significance of this variant remains unclear.

NM_003000.3(SDHB):c.289A>C (p.Ile97Leu)

Gene: SDHB (succinate dehydrogenase complex iron sulfur subunit B; minus strand). Cytogenetic location: 1p36.13.
Variant type: single nucleotide variant.
Coding change: c.289A>C on transcript NM_003000.3 (MANE Select); coding-DNA position 289, A replaced by C.
Protein change: p.Ile97Leu; replaces isoleucine 97 with leucine.
Molecular consequence: missense variant.
Genome position (GRCh38, 1-based): chr1:17,028,734, T>G on the plus strand (A>C on the coding strand, the complement: SDHB is on the minus strand). VCF-style: chr1-17028734-T-G. GRCh37 (hg19) VCF-style: chr1-17355229-T-G.
Other names: c.289A>C, p.Ile97Leu (NM_001407361.1); short protein forms I97L.
Identifiers: ClinVar variation 3316899 (VCV003316899.1).